The following is an entry in ClinVar:

NM_031210.6(SLIRP):c.248_252del (p.Ile83fs)

Gene: SLIRP (SRA stem-loop interacting RNA binding protein; plus strand). Cytogenetic location: 14q24.3.
Variant type: Deletion.
Coding change: c.248_252del on transcript NM_031210.6 (MANE Select); coding-DNA positions 248 to 252, 5 bases deleted (TTATA; older notation c.248_252delTTATA).
Protein change: p.Ile83fs; shifts the reading frame from isoleucine 83.
Molecular consequence: frameshift variant. On other transcripts: non-coding transcript variant (1).
Genome position (GRCh38, 1-based): chr14:77,715,863-77,715,867, TTATA deleted; deleting any 5 consecutive bases within chr14:77,715,860-77,715,867 gives the same sequence; the c. name uses the placement nearest the transcript's 3' end. VCF-style (leftmost placement, unchanged base first): chr14-77715859-CATATT-C. GRCh37 (hg19) VCF-style: chr14-78182202-CATATT-C.
Other names: c.248_252del, p.Ile83fs (NM_001267863.1, NM_001267864.1); short protein forms I83fs.
Identifiers: ClinVar variation 1027546 (VCV001027546.3), dbSNP rs776989213, ClinGen allele CA7290012.

Conditions:
Mitochondrial encephalomyopathy. Identifiers: MedGen C0162666, MONDO:0004675.

Submission:

Department of Toxicogenomics, Maastricht University
No classification provided (evidence only). Condition: Mitochondrial encephalomyopathy. Last evaluated: 2020-11-25. Review status: no classification provided. Criteria: ACMG Guidelines, 2015. Collection method: in vitro. Allele origin: not applicable. Inheritance: Autosomal recessive inheritance. Functional consequence: probably has functional consequence.
Comment: "Likely pathogenic" was previously submitted as the classification for the variant. However, the classification appeared to be based only on an observation of functional data so it was converted to no classification on 2025-07-30.